The following is an entry in ClinVar:

ClinVar aggregate classification (germline): Likely benign. Review status: criteria provided, multiple submitters, no conflicts (2 of 4 stars). 9 submissions from 9 submitters: Likely benign (8). 1 of the submissions does not count toward it. Last evaluated 2026-09-01.

Conditions:
HEXA-related disorder. Also called: HEXA-related condition.
Tay-Sachs disease (TSD). Also called: GM2 gangliosidosis, type 1; Hexosaminidase alpha-subunit deficiency (variant B); Sphingolipidosis, Tay-Sachs; HEXA Disorders; HEXA DEFICIENCY; Hexosaminidase A Deficiency. Identifiers: Orphanet 845, MedGen C0039373, MONDO:0010100, OMIM 272800.
Inborn genetic diseases. Identifiers: MedGen C0950123, MeSH D030342.

Allele frequency attached by ClinVar (database versions not stated): 1000 Genomes Project 30x 0.00016; 1000 Genomes Project 0.00020; ExAC 0.00081; gnomAD exomes 0.00084 and 0.00110; ESP Exome Variant Server 0.00092; gnomAD 0.00096 and 0.00100; TOPMed 0.00111.
gnomAD v4.1: 1,769 of 1,614,166 alleles (0.11%); highest among the groups gnomAD compares: Admixed American, 0.22%; 6 homozygotes.

Submissions (9):

CeGaT Center for Human Genetics Tuebingen
Classification: Likely benign. Last evaluated: 2026-09-01. Review status: criteria provided, single submitter. Criteria: CeGaT Center For Human Genetics Tuebingen Variant Classification Criteria Version 2. Collection method: clinical testing. Allele origin: germline. Affected: yes. Observed: 4 variant alleles.
Comment: HEXA: BP4, BP7

Labcorp Genetics (formerly Invitae), Labcorp
Classification: Likely benign for Tay-Sachs disease. Last evaluated: 2026-02-02. Review status: criteria provided, single submitter. Criteria: Invitae Variant Classification Sherloc (09022015). Collection method: clinical testing. Allele origin: germline.

Women's Health and Genetics/Laboratory Corporation of America, LabCorp
Classification: Likely benign. Last evaluated: 2025-06-20. Review status: criteria provided, single submitter. Criteria: LabCorp Variant Classification Summary - May 2015. Collection method: clinical testing. Allele origin: germline.

Mayo Clinic Laboratories, Mayo Clinic
Classification: Likely benign. Last evaluated: 2025-02-10. Review status: criteria provided, single submitter. Criteria: ACMG Guidelines, 2015. Collection method: clinical testing. Allele origin: germline. Observed: 4 variant alleles.
Comment: BS2, BP4, BP7

PreventionGenetics, part of Exact Sciences
Classification: Likely benign for HEXA-related condition. Last evaluated: 2024-12-05. Review status: criteria provided, single submitter. Criteria: ACMG Guidelines, 2015. Collection method: clinical testing. Allele origin: germline.
Comment: This variant is classified as likely benign based on ACMG/AMP sequence variant interpretation guidelines (Richards et al. 2015 PMID: 25741868, with internal and published modifications).

ARUP Laboratories, Molecular Genetics and Genomics, ARUP Laboratories
Classification: Likely benign. Last evaluated: 2023-08-21. Review status: criteria provided, single submitter. Criteria: ARUP Molecular Germline Variant Investigation Process 2024. Collection method: clinical testing. Allele origin: germline.

Ambry Genetics
Classification: Likely benign for Inborn genetic diseases. Last evaluated: 2022-05-06. Review status: criteria provided, single submitter. Criteria: Ambry Variant Classification Scheme 2023. Collection method: clinical testing. Allele origin: germline.

Genome-Nilou Lab
Classification: Likely benign for Tay-Sachs disease. Last evaluated: 2021-07-14. Review status: criteria provided, single submitter. Criteria: ACMG Guidelines, 2015. Collection method: clinical testing. Allele origin: germline. Affected: no.

Natera, Inc.
Classification: Uncertain significance for Tay-Sachs disease. Last evaluated: 2018-04-20. Review status: no assertion criteria provided. Collection method: clinical testing. Allele origin: germline. Not counted in ClinVar's aggregate classification.

NM_000520.6(HEXA):c.1107C>T (p.Gly369=)

Gene: HEXA (hexosaminidase subunit alpha; minus strand). Cytogenetic location: 15q23.
Variant type: single nucleotide variant.
Coding change: c.1107C>T on transcript NM_000520.6 (MANE Select); coding-DNA position 1107, C replaced by T.
Protein change: p.Gly369=; no amino-acid change (glycine 369 retained).
Molecular consequence: synonymous variant.
Genome position (GRCh38, 1-based): chr15:72,347,725, G>A on the plus strand (C>T on the coding strand, the complement: HEXA is on the minus strand). VCF-style: chr15-72347725-G-A. GRCh37 (hg19) VCF-style: chr15-72640066-G-A.
Other names: p.Gly369=; c.1140C>T, p.Gly380= (NM_001318825.2); c.1107C>T (NM_000520.5).
Identifiers: ClinVar variation 317043 (VCV000317043.53), dbSNP rs140337137, ClinGen allele CA7644800.